The following is an entry in ClinVar:

NM_001042545.2(LTBP4):c.3343G>A (p.Glu1115Lys)

Gene: LTBP4 (latent transforming growth factor beta binding protein 4; plus strand). Cytogenetic location: 19q13.2.
Variant type: single nucleotide variant.
Coding change: c.3343G>A on transcript NM_001042545.2 (MANE Select); coding-DNA position 3343, G replaced by A.
Protein change: p.Glu1115Lys; replaces glutamic acid 1115 with lysine.
Molecular consequence: missense variant.
Genome position (GRCh38, 1-based): chr19:40,622,526, G>A. VCF-style: chr19-40622526-G-A. GRCh37 (hg19) VCF-style: chr19-41128431-G-A.
Other names: c.3544G>A, p.Glu1182Lys (NM_001042544.1); c.3433G>A, p.Glu1145Lys (NM_003573.2); short protein forms E1182K, E1145K, E1115K.
Identifiers: ClinVar variation 1968769 (VCV001968769.4), dbSNP rs927707461, ClinGen allele CA308432775.

ClinVar aggregate classification (germline): Uncertain significance (1 of 4 stars; one submission).

Allele frequency attached by ClinVar (database versions not stated): TOPMed 0.00001.

Submission:

Labcorp Genetics (formerly Invitae), Labcorp
Classification: Uncertain significance. Last evaluated: 2022-06-12. Review status: criteria provided, single submitter. Criteria: Invitae Variant Classification Sherloc (09022015). Collection method: clinical testing. Allele origin: germline.
Comment: In summary, the available evidence is currently insufficient to determine the role of this variant in disease. Therefore, it has been classified as a Variant of Uncertain Significance. Experimental studies and prediction algorithms are not available or were not evaluated, and the functional significance of this variant is currently unknown. This variant has not been reported in the literature in individuals affected with LTBP4-related conditions. This variant is not present in population databases (gnomAD no frequency). This sequence change replaces glutamic acid, which is acidic and polar, with lysine, which is basic and polar, at codon 1145 of the LTBP4 protein (p.Glu1145Lys).